The following is an entry in ClinVar:

NM_024642.5(GALNT12):c.663C>T (p.Gly221=)

Gene: GALNT12 (polypeptide N-acetylgalactosaminyltransferase 12; plus strand). Cytogenetic location: 9q22.33.
Variant type: single nucleotide variant.
Coding change: c.663C>T on transcript NM_024642.5 (MANE Select); coding-DNA position 663, C replaced by T.
Protein change: p.Gly221=; no amino-acid change (glycine 221 retained).
Molecular consequence: synonymous variant.
Genome position (GRCh38, 1-based): chr9:98,826,873, C>T. VCF-style: chr9-98826873-C-T. GRCh37 (hg19) VCF-style: chr9-101589155-C-T.
Identifiers: ClinVar variation 1754619 (VCV001754619.3), dbSNP rs1477617229, ClinGen allele CA466423824.
Genomic context (GRCh38, chr9:98,826,873, plus strand): 5'-CGCCAACAAGAGAGAGGGCCTGGTGCGAGCCCGGCTGCTGGGGGCGTCTGCGGCGAGGGG[C>T]GATGTTCTGACCTTCCTGGACTGTCACTGTGAGTGCCACGAAGGGTGGCTGGAGCCGCTG-3'
Protein context (NP_078918.3, residues 211-231): ARLLGASAAR[Gly221=]DVLTFLDCHC

ClinVar aggregate classification (germline): Benign/Likely benign. Review status: criteria provided, multiple submitters, no conflicts (2 of 4 stars). 2 submissions from 2 submitters: Benign (1); Likely benign (1). Last evaluated 2026-04-24.

Conditions:
Colorectal cancer, susceptibility to, 1. Also called: COLORECTAL ADENOMA AND CANCER, SUSCEPTIBILITY TO; COLORECTAL CANCER, SUSCEPTIBILITY TO, ON CHROMOSOME 9. Identifiers: MedGen C1837315, MONDO:0012132, OMIM 608812.

gnomAD v4.1: 4 of 1,597,340 alleles (0.00025%); highest among the groups gnomAD compares: Non-Finnish European, 0.00034%; no homozygotes.

Submissions (2):

Myriad Genetics, Inc.
Classification: Benign for Colorectal cancer, susceptibility to, 1. Last evaluated: 2026-04-24. Review status: criteria provided, single submitter. Criteria: Myriad Autosomal Dominant, Autosomal Recessive and X-Linked Classification Criteria (2023). Collection method: clinical testing. Allele origin: unknown.
Comment: This variant is considered benign. This variant is a silent/synonymous amino acid change and it is not expected to impact splicing.

Ambry Genetics
Classification: Likely benign. Last evaluated: 2022-06-07. Review status: criteria provided, single submitter. Criteria: Ambry Variant Classification Scheme 2023. Collection method: clinical testing. Allele origin: germline.